The following is an entry in ClinVar:

ClinVar aggregate classification (germline): Uncertain significance (1 of 4 stars; one submission).

Submission:

GeneDx
Classification: Uncertain significance. Last evaluated: 2019-07-18. Review status: criteria provided, single submitter. Criteria: GeneDx Variant Classification Process June 2021. Collection method: clinical testing. Allele origin: germline. Affected: yes.
Comment: Not observed in large population cohorts (Lek et al., 2016); In silico analysis, which includes protein predictors and evolutionary conservation, supports that this variant does not alter protein structure/function; Has not been previously published as pathogenic or benign to our knowledge

NM_024496.4(IRF2BPL):c.1303T>G (p.Ser435Ala)

Gene: IRF2BPL (interferon regulatory factor 2 binding protein like; minus strand). Cytogenetic location: 14q24.3.
Variant type: single nucleotide variant.
Coding change: c.1303T>G on transcript NM_024496.4 (MANE Select); coding-DNA position 1303, T replaced by G.
Protein change: p.Ser435Ala; replaces serine 435 with alanine.
Molecular consequence: missense variant.
Genome position (GRCh38, 1-based): chr14:77,026,490, A>C on the plus strand (T>G on the coding strand, the complement: IRF2BPL is on the minus strand). VCF-style: chr14-77026490-A-C. GRCh37 (hg19) VCF-style: chr14-77492833-A-C.
Other names: short protein forms S435A.
Identifiers: ClinVar variation 1302371 (VCV001302371.2), dbSNP rs2140377793, ClinGen allele CA390494946.